The following is an entry in ClinVar:

NM_001267550.2(TTN):c.83644A>G (p.Ile27882Val)

Genes: TTN (titin; minus strand), TTN-AS1 (TTN antisense RNA 1; plus strand). Cytogenetic location: 2q31.2.
Variant type: single nucleotide variant.
Coding change: c.83644A>G on transcript NM_001267550.2 (MANE Select); coding-DNA position 83644, A replaced by G.
Protein change: p.Ile27882Val; replaces isoleucine 27882 with valine.
Molecular consequence: missense variant.
Genome position (GRCh38, 1-based): chr2:178,562,488, T>C on the plus strand (A>G on the coding strand, the complement: TTN is on the minus strand). VCF-style: chr2-178562488-T-C. GRCh37 (hg19) VCF-style: chr2-179427215-T-C.
Other names: c.78721A>G, p.Ile26241Val (NM_001256850.1); c.56449A>G, p.Ile18817Val (NM_003319.4); c.75940A>G, p.Ile25314Val (NM_133378.4); c.56824A>G, p.Ile18942Val (NM_133432.3); c.57025A>G, p.Ile19009Val (NM_133437.4); short protein forms I18817V, I18942V, I19009V, I25314V, I26241V, I27882V.
Identifiers: ClinVar variation 2437718 (VCV002437718.4), dbSNP rs548211686, ClinGen allele CA1988892.

ClinVar aggregate classification (germline): Uncertain significance. Review status: criteria provided, multiple submitters, no conflicts (2 of 4 stars). 2 submissions from 2 submitters: Uncertain significance (2). Last evaluated 2025-03-11.

Allele frequency attached by ClinVar (database versions not stated): gnomAD exomes below 0.00001; ExAC 0.00001; gnomAD 0.00001; 1000 Genomes Project 30x 0.00016; 1000 Genomes Project 0.00020.
gnomAD v4.1: 4 of 1,613,386 alleles (0.00025%); highest among the groups gnomAD compares: East Asian, 0.0067%; no homozygotes.

Submissions (2):

GeneDx
Classification: Uncertain significance. Last evaluated: 2025-03-11. Review status: criteria provided, single submitter. Criteria: GeneDx Variant Classification Process June 2021. Collection method: clinical testing. Allele origin: germline. Affected: yes.
Comment: Not observed at significant frequency in large population cohorts (gnomAD); Missense variant in a gene in which most reported pathogenic variants are truncating/loss of function; Has not been previously published as pathogenic or benign to our knowledge

Revvity Omics, Revvity
Classification: Uncertain significance. Last evaluated: 2020-03-05. Review status: criteria provided, single submitter. Criteria: ACMG Guidelines, 2015. Collection method: clinical testing. Allele origin: germline.